The following is an entry in ClinVar:

NM_017514.5(PLXNA3):c.2730C>T (p.Pro910=)

Gene: PLXNA3 (plexin A3; plus strand). Cytogenetic location: Xq28.
Variant type: single nucleotide variant.
Coding change: c.2730C>T on transcript NM_017514.5 (MANE Select); coding-DNA position 2730, C replaced by T.
Protein change: p.Pro910=; no amino-acid change (proline 910 retained).
Molecular consequence: synonymous variant.
Genome position (GRCh38, 1-based): chrX:154,466,201, C>T. VCF-style: chrX-154466201-C-T. GRCh37 (hg19) VCF-style: chrX-153694544-C-T.
Identifiers: ClinVar variation 3350931 (VCV003350931.1).

ClinVar aggregate classification (germline): Likely benign (0 of 4 stars; one submission).

Conditions:
PLXNA3-related disorder. Also called: PLXNA3-related condition.

gnomAD v4.1: 81 of 1,208,514 alleles (0.0067%); highest among the groups gnomAD compares: East Asian, 0.0089%; no homozygotes.

Submission:

PreventionGenetics, part of Exact Sciences
Classification: Likely benign for PLXNA3-related condition. Last evaluated: 2022-08-31. Review status: no assertion criteria provided. Collection method: clinical testing. Allele origin: germline.
Comment: This variant is classified as likely benign based on ACMG/AMP sequence variant interpretation guidelines (Richards et al. 2015 PMID: 25741868, with internal and published modifications).